The following is an entry in ClinVar:

NM_001374828.1(ARID1B):c.1322A>C (p.Tyr441Ser)

Gene: ARID1B (AT-rich interaction domain 1B; plus strand). Cytogenetic location: 6q25.3.
Variant type: single nucleotide variant.
Coding change: c.1322A>C on transcript NM_001374828.1 (MANE Select); coding-DNA position 1322, A replaced by C.
Protein change: p.Tyr441Ser; replaces tyrosine 441 with serine.
Molecular consequence: missense variant.
Genome position (GRCh38, 1-based): chr6:156,779,002, A>C. VCF-style: chr6-156779002-A-C. GRCh37 (hg19) VCF-style: chr6-157100136-A-C.
Other names: c.1322A>C, p.Tyr441Ser (NM_001371656.1, NM_001374820.1, NM_001438482.1 and 9 more transcripts); short protein forms Y441S.
Identifiers: ClinVar variation 4798390 (VCV004798390.1).

ClinVar aggregate classification (germline): Uncertain significance (1 of 4 stars; one submission).

gnomAD v4.1: 2 of 1,256,014 alleles (0.00016%); highest among the groups gnomAD compares: East Asian, 0.0066%; no homozygotes.

Submission:

Labcorp Genetics (formerly Invitae), Labcorp
Classification: Uncertain significance. Last evaluated: 2025-06-03. Review status: criteria provided, single submitter. Criteria: Invitae Variant Classification Sherloc (09022015). Collection method: clinical testing. Allele origin: germline.
Comment: This sequence change replaces tyrosine, which is neutral and polar, with serine, which is neutral and polar, at codon 358 of the ARID1B protein (p.Tyr358Ser). The frequency data for this variant in the population databases is considered unreliable, as metrics indicate insufficient coverage at this position in the gnomAD database. This variant has not been reported in the literature in individuals affected with ARID1B-related conditions. Invitae Evidence Modeling of protein sequence and biophysical properties (such as structural, functional, and spatial information, amino acid conservation, physicochemical variation, residue mobility, and thermodynamic stability) indicates that this missense variant is not expected to disrupt ARID1B protein function with a negative predictive value of 95%. In summary, the available evidence is currently insufficient to determine the role of this variant in disease. Therefore, it has been classified as a Variant of Uncertain Significance.